The following is an entry in ClinVar:

ClinVar aggregate classification (germline): Benign. Review status: criteria provided, multiple submitters, no conflicts (2 of 4 stars). 3 submissions from 3 submitters: Benign (3). Last evaluated 2026-07-01.

Conditions:
Autosomal dominant polycystic kidney disease. Identifiers: Orphanet 730, MedGen C0085413, MONDO:0004691.

Submissions (3):

CeGaT Center for Human Genetics Tuebingen
Classification: Benign. Last evaluated: 2026-07-01. Review status: criteria provided, single submitter. Criteria: CeGaT Center For Human Genetics Tuebingen Variant Classification Criteria Version 2. Collection method: clinical testing. Allele origin: germline. Affected: yes. Observed: 7 variant alleles.
Comment: MIR1225: BS1, BS2; PKD1: BS1, BS2

Department of Pathology and Laboratory Medicine, Sinai Health System
Classification: Benign for autosomal dominant polycystic kidney disease. Last evaluated: 2020-05-11. Review status: criteria provided, single submitter. Criteria: ACMG Guidelines, 2015. Collection method: clinical testing. Allele origin: germline. Affected: yes.

Molecular Genetics of Inherited Kidney Disorders Laboratory, Garvan Institute of Medical Research
Classification: Benign for Autosomal dominant polycystic kidney disease. Last evaluated: 2019-01-01. Review status: criteria provided, single submitter. Criteria: ACMG Guidelines, 2015. Collection method: research. Allele origin: germline. Affected: yes.

Literature cited by the submitters: PubMed 22383692 (cited by Department of Pathology and Laboratory Medicine, Sinai Health System).

NM_001009944.3(PKD1):c.12444+17dup

Genes: MIR1225 (microRNA 1225; minus strand), PKD1 (polycystin 1, transient receptor potential channel interacting; minus strand). Cytogenetic location: 16p13.3.
Variant type: Duplication.
Coding change: c.12444+17dup on transcript NM_001009944.3 (MANE Select); 17 bases into the intron after coding-DNA position 12444, one base duplicated (G; older notation c.12444+17dupG).
Molecular consequence: intron variant. On other transcripts: non-coding transcript variant (1).
Genome position (GRCh38, 1-based): chr16:2,090,262, C duplicated on the plus strand (G on the coding strand, the reverse complement: PKD1 is on the minus strand); the first of 7 consecutive C bases (chr16:2,090,262-2,090,268); duplicating any one gives the same sequence. VCF-style (leftmost placement, unchanged base first): chr16-2090261-T-TC. GRCh37 (hg19) VCF-style: chr16-2140262-T-TC.
Other names: c.12441+17dup (NM_000296.4); c.12444+23dupG (NM_001009944.2).
Identifiers: ClinVar variation 976801 (VCV000976801.33), dbSNP rs547611708, ClinGen allele CA7828619.